The following is an entry in ClinVar:

ClinVar aggregate classification (germline): Uncertain significance. Review status: criteria provided, multiple submitters, no conflicts (2 of 4 stars). 2 submissions from 2 submitters: Uncertain significance (2). Last evaluated 2026-01-31.

Conditions:
Familial thoracic aortic aneurysm and aortic dissection (TAAD). Also called: Thoracic aortic aneurysms and dissections. Identifiers: Orphanet 91387, MedGen C4707243, MONDO:0019625.

Submissions (2):

Labcorp Genetics (formerly Invitae), Labcorp
Classification: Uncertain significance for Familial thoracic aortic aneurysm and aortic dissection. Last evaluated: 2026-01-31. Review status: criteria provided, single submitter. Criteria: Invitae Variant Classification Sherloc (09022015). Collection method: clinical testing. Allele origin: germline.
Comment: This sequence change replaces leucine, which is neutral and non-polar, with phenylalanine, which is neutral and non-polar, at codon 386 of the TGFBR2 protein (p.Leu386Phe). This variant is not present in population databases (gnomAD no frequency). This variant has not been reported in the literature in individuals affected with TGFBR2-related conditions. ClinVar contains an entry for this variant (Variation ID: 636942). Invitae Evidence Modeling of protein sequence and biophysical properties (such as structural, functional, and spatial information, amino acid conservation, physicochemical variation, residue mobility, and thermodynamic stability) indicates that this missense variant is expected to disrupt TGFBR2 protein function with a positive predictive value of 95%. In summary, the available evidence is currently insufficient to determine the role of this variant in disease. Therefore, it has been classified as a Variant of Uncertain Significance.

Blueprint Genetics
Classification: Uncertain significance. Last evaluated: 2020-06-25. Review status: criteria provided, single submitter. Criteria: ACMG Guidelines, 2015. Collection method: clinical testing. Allele origin: germline.

NM_003242.6(TGFBR2):c.1156C>T (p.Leu386Phe)

Gene: TGFBR2 (transforming growth factor beta receptor 2; plus strand). Cytogenetic location: 3p24.1.
Variant type: single nucleotide variant.
Coding change: c.1156C>T on transcript NM_003242.6 (MANE Select); coding-DNA position 1156, C replaced by T.
Protein change: p.Leu386Phe; replaces leucine 386 with phenylalanine.
Molecular consequence: missense variant.
Genome position (GRCh38, 1-based): chr3:30,672,339, C>T. VCF-style: chr3-30672339-C-T. GRCh37 (hg19) VCF-style: chr3-30713831-C-T.
Other names: c.1051C>T, p.Leu351Phe (NM_001407135.1, NM_001407136.1, NM_001407132.1 and 2 more transcripts); c.871C>T, p.Leu291Phe (NM_001407137.1); c.796C>T, p.Leu266Phe (NM_001407138.1); c.1231C>T, p.Leu411Phe (NM_001024847.3); c.1339C>T, p.Leu447Phe (NM_001407126.1); c.1264C>T, p.Leu422Phe (NM_001407127.1); c.1183C>T, p.Leu395Phe (NM_001407128.1); c.1159C>T, p.Leu387Phe (NM_001407129.1); and 1 more; short protein forms L386F, L411F, L422F, L447F, L266F, L351F, L395F, L291F.
Identifiers: ClinVar variation 636942 (VCV000636942.8), dbSNP rs1575158103, ClinGen allele CA351808658.